The following is an entry in ClinVar:

NM_000104.4(CYP1B1):c.1328C>G (p.Ala443Gly)

Genes: CYP1B1 (cytochrome P450 family 1 subfamily B member 1; minus strand), LOC128772254 (melanoma risk locus-associated MPRA allelic enhancer 2:38298139; plus strand). Cytogenetic location: 2p22.2.
Variant type: single nucleotide variant.
Coding change: c.1328C>G on transcript NM_000104.4 (MANE Select); coding-DNA position 1328, C replaced by G.
Protein change: p.Ala443Gly; replaces alanine 443 with glycine.
Molecular consequence: missense variant.
Genome position (GRCh38, 1-based): chr2:38,071,026, G>C on the plus strand (C>G on the coding strand, the complement: CYP1B1 is on the minus strand). VCF-style: chr2-38071026-G-C. GRCh37 (hg19) VCF-style: chr2-38298169-G-C.
Other names: NM_000104.4(CYP1B1):c.1328C>G; short protein forms A443G.
Identifiers: ClinVar variation 92435 (VCV000092435.23), dbSNP rs4986888, ClinGen allele CA145737.
Genomic context (GRCh38, chr2:38,071,026, plus strand): 5'-AAAATCATCACTCTGCTGGTCAGGTCCTTGTTGATGAGGCCATCCTTGTCCAAGAATCGA[G>C]CTGGATCAAAGTTCTCCGGGTTAGGCCACTTCAGTGGGTCATGATTCACAGACCACTGGT-3'
Protein context (NP_000095.2, residues 433-453): KWPNPENFDP[Ala443Gly]RFLDKDGLIN

ClinVar aggregate classification (germline): Likely benign. Review status: reviewed by expert panel (3 of 4 stars). 8 submissions from 7 submitters: Likely benign (1). 7 of the submissions do not count toward it. Last evaluated 2025-11-19.

Conditions:
Congenital glaucoma. Identifiers: MedGen C0020302, MONDO:0020366.
CYP1B1-related glaucoma with or without anterior segment dysgenesis. Identifiers: MedGen CN375931, MONDO:0800472.
Irido-corneo-trabecular dysgenesis (ASGD5). Also called: ANTERIOR SEGMENT DYSGENESIS 5. Identifiers: Orphanet 708, MedGen C0344559, MONDO:0011414, OMIM 604229, HP:0000659.
Glaucoma 3A. Also called: Glaucoma 3, primary congenital, A. Identifiers: Orphanet 98976, Orphanet 98977, MedGen C1856439, MONDO:0009277, OMIM 231300.

Allele frequency attached by ClinVar (database versions not stated): gnomAD 0.01612 and 0.01504; ESP Exome Variant Server 0.01884; gnomAD exomes 0.00439; ExAC 0.00528; 1000 Genomes Project 0.01577; TOPMed 0.01571; 1000 Genomes Project 30x 0.01780.
gnomAD v4.1: 5,341 of 1,614,070 alleles (0.33%); highest among the groups gnomAD compares: African/African-American, 5%; 86 homozygotes.

Submissions (8):

ClinGen Glaucoma Variant Curation Expert Panel
Classification: Likely benign for CYP1B1-related glaucoma with or without anterior segment dysgenesis. Last evaluated: 2025-11-19. Review status: reviewed by expert panel. Criteria: ClinGen CYP1B1 ACMG Specifications V1 Approved. Collection method: curation. Allele origin: germline. Inheritance: Autosomal recessive inheritance.
Comment: The c.1328C>G variant in CYP1B1 is a missense variant predicted to cause substitution of Alanine by Glycine at amino acid 443 (p.Ala443Gly). The highest minor allele frequency of this variant was in the African/African American genetic ancestry group of gnomAD (v4.1.0) = 0.04963, which met the ≥ 0.01 threshold set for BS1 (3,723 alleles out of 75,012, meeting the threshold of ≥ 5 of at least 2,000 observed alleles), but not the ≥ 0.05 threshold for BA1. The REVEL score = 0.199, which is within the 0.184-0.290 range for BP4 and this variant was not predicted to affect splicing, as assessed with SpliceAI (≤ 0.1), suggesting that the variant does not impact CYP1B1 function. A previous study (PMID: 19643970) demonstrated that the 17B estradiol activity levels of the Ala443Gly protein were not below the established threshold for that assay (<20% relative activity compared to background haplotype). This variant was also assessed in PMID: 19793111, however, the threshold for abnormal impact on protein function in the assays could not be determined. In summary, this variant met the criteria to receive a score of -5 and to be classified as likely benign (likely benign classification range -2 to -6, adapted from PMID: 32720330) for CYP1B1-related glaucoma with or without anterior segment dysgenesis (ASD) based on the ACMG/AMP criteria met, as specified by the ClinGen Glaucoma VCEP (v1.0, 06.11.2025): BS1, BP4

Labcorp Genetics (formerly Invitae), Labcorp
Classification: Benign for Congenital glaucoma. Last evaluated: 2026-02-04. Review status: criteria provided, single submitter. Criteria: Invitae Variant Classification Sherloc (09022015). Collection method: clinical testing. Allele origin: germline. Not counted in ClinVar's aggregate classification.

Women's Health and Genetics/Laboratory Corporation of America, LabCorp
Classification: Likely benign. Last evaluated: 2021-12-10. Review status: criteria provided, single submitter. Criteria: LabCorp Variant Classification Summary - May 2015. Collection method: clinical testing. Allele origin: germline. Not counted in ClinVar's aggregate classification.

GeneDx
Classification: Benign. Last evaluated: 2020-06-10. Review status: criteria provided, single submitter. Criteria: GeneDx Variant Classification Process June 2021. Collection method: clinical testing. Allele origin: germline. Affected: yes. Not counted in ClinVar's aggregate classification.
Comment: This variant is associated with the following publications: (PMID: 16862072, 27884173, 11558822, 20981092, 23922489, 11854439, 19643970, 19793111, 15958554)

Illumina Laboratory Services, Illumina
Classification: Likely benign for Glaucoma 3A. Last evaluated: 2017-04-27. Review status: criteria provided, single submitter. Criteria: ICSL Variant Classification Criteria 13 December 2019. Collection method: clinical testing. Allele origin: germline. Not counted in ClinVar's aggregate classification.
Comment: This variant was observed as part of a predisposition screen in an ostensibly healthy population. A literature search was performed for the gene, cDNA change, and amino acid change (where applicable). Publications were found based on this search. The evidence from the literature, in combination with allele frequency data from public databases where available, was sufficient to determine this variant is unlikely to cause disease. Therefore, this variant is classified as likely benign.

Illumina Laboratory Services, Illumina
Classification: Benign for Irido-corneo-trabecular dysgenesis. Last evaluated: 2017-04-27. Review status: criteria provided, single submitter. Criteria: ICSL Variant Classification Criteria 13 December 2019. Collection method: clinical testing. Allele origin: germline. Not counted in ClinVar's aggregate classification.
Comment: This variant was observed as part of a predisposition screen in an ostensibly healthy population. A literature search was performed for the gene, cDNA change, and amino acid change (where applicable). No publications were found based on this search. Allele frequency data from public databases was too high to be consistent with this variant causing disease. Therefore, this variant is classified as benign.

Eurofins Ntd Llc (ga)
Classification: Benign. Last evaluated: 2013-08-02. Review status: criteria provided, single submitter. Criteria: EGL Classification Definitions 2015. Collection method: clinical testing. Allele origin: germline. Observed: 1 variant allele, 1 heterozygote. Not counted in ClinVar's aggregate classification.

Breakthrough Genomics
Classification: Likely benign. Review status: criteria provided, single submitter. Criteria: ACMG Guidelines, 2015. Collection method: not provided. Allele origin: germline. Inheritance: Autosomal recessive inheritance. Affected: yes. Not counted in ClinVar's aggregate classification.

Literature cited by the submitters: PubMed 22128238 (cited by Illumina Laboratory Services, Illumina); PubMed 12036985 (cited by Illumina Laboratory Services, Illumina); PubMed 11558822 (cited by Illumina Laboratory Services, Illumina); PubMed 16862072 (cited by Illumina Laboratory Services, Illumina); PubMed 15342693 (cited by Illumina Laboratory Services, Illumina); PubMed 11854439 (cited by Illumina Laboratory Services, Illumina).